The following is an entry in ClinVar:

NM_022124.6(CDH23):c.1439T>A (p.Leu480Gln)

Gene: CDH23 (cadherin related 23; plus strand). Cytogenetic location: 10q22.1.
Variant type: single nucleotide variant.
Coding change: c.1439T>A on transcript NM_022124.6 (MANE Select); coding-DNA position 1439, T replaced by A.
Protein change: p.Leu480Gln; replaces leucine 480 with glutamine.
Molecular consequence: missense variant.
Genome position (GRCh38, 1-based): chr10:71,646,607, T>A. VCF-style: chr10-71646607-T-A. GRCh37 (hg19) VCF-style: chr10-73406364-T-A.
Other names: c.1439T>A, p.Leu480Gln (NM_001171930.2, NM_001171931.2, NM_052836.4); short protein forms L480Q.
Identifiers: ClinVar variation 1696384 (VCV001696384.2), dbSNP rs767928788, ClinGen allele CA209443129.
Genomic context (GRCh38, chr10:71,646,607, plus strand): 5'-TCAGCCAGCCACTGTACAACATCAGCCTGTACGAGAACGTCACCGTGGGGACCTCTGTGC[T>A]GACAGTCCTGGTGAGTCCCCGCTTCACTGCAGGGCCACTGAGCTCTCCAGGGCCGACTGT-3'
Protein context (NP_071407.4, residues 470-490): YENVTVGTSV[Leu480Gln]TVLATDNDAG

ClinVar aggregate classification (germline): Uncertain significance (1 of 4 stars; one submission).

Allele frequency attached by ClinVar (database versions not stated): TOPMed 0.00001.
gnomAD v4.1: 2 of 1,613,882 alleles (0.00012%); highest among the groups gnomAD compares: African/African-American, 0.0027%; no homozygotes.

Submission:

Women's Health and Genetics/Laboratory Corporation of America, LabCorp
Classification: Uncertain significance. Last evaluated: 2025-03-19. Review status: criteria provided, single submitter. Criteria: LabCorp Variant Classification Summary - May 2015. Collection method: clinical testing. Allele origin: germline.
Comment: Variant summary: CDH23 c.1439T>A (p.Leu480Gln) results in a non-conservative amino acid change located in the Cadherin-like domain (IPR002126) of the encoded protein sequence. Three of five in-silico tools predict a damaging effect of the variant on protein function. The variant was absent in 249256 control chromosomes. The available data on variant occurrences in the general population are insufficient to allow any conclusion about variant significance. c.1439T>A has been reported in the literature in at least two individuals affected with nonsyndromic, progressive hearing loss (Astuto_2002, Shahin_2010). To our knowledge, no experimental evidence demonstrating an impact on protein function has been reported. The following publications have been ascertained in the context of this evaluation (PMID: 12075507, 19888295). ClinVar contains an entry for this variant (Variation ID: 1696384). Based on the evidence outlined above, the variant was classified as uncertain significance.

Literature cited by the submitters: PubMed 12075507; PubMed 19888295.